The following is an entry in ClinVar:

ClinVar aggregate classification (germline): Uncertain significance (1 of 4 stars; one submission).

Submission:

Labcorp Genetics (formerly Invitae), Labcorp
Classification: Uncertain significance. Last evaluated: 2024-01-25. Review status: criteria provided, single submitter. Criteria: Invitae Variant Classification Sherloc (09022015). Collection method: clinical testing. Allele origin: germline.
Comment: This variant, c.165_170del, results in the deletion of 2 amino acid(s) of the AK7 protein (p.Glu55_Glu56del), but otherwise preserves the integrity of the reading frame. This variant is present in population databases (rs779453953, gnomAD 0.05%). This variant has not been reported in the literature in individuals affected with AK7-related conditions. Experimental studies and prediction algorithms are not available or were not evaluated, and the functional significance of this variant is currently unknown. In summary, the available evidence is currently insufficient to determine the role of this variant in disease. Therefore, it has been classified as a Variant of Uncertain Significance.

NM_152327.5(AK7):c.153GGAAGA[2] (p.Glu55_Glu56del)

Gene: AK7 (adenylate kinase 7; plus strand). Cytogenetic location: 14q32.2.
Variant type: Microsatellite.
Coding change: c.153GGAAGA[2] on transcript NM_152327.5 (MANE Select); two copies in a row of the 6-base unit GGAAGA starting at c.153; the reference has three copies in a row; one copy, 6 bases deleted.
Protein change: p.Glu55_Glu56del.
Molecular consequence: inframe deletion.
Genome position (GRCh38, 1-based): chr14:96,398,134-96,398,139, GGAAGA deleted; deleting any 6 consecutive bases within chr14:96,398,119-96,398,139 gives the same sequence; the position shown is the placement nearest the transcript's 3' end. VCF-style (leftmost placement, unchanged base first): chr14-96398118-CAGAGGA-C. GRCh37 (hg19) VCF-style: chr14-96864455-CAGAGGA-C.
Other names: c.153GGAAGA[2], p.Glu55_Glu56del (NM_001350888.2, NM_001350890.2, NM_001350891.2 and 1 more transcripts).
Identifiers: ClinVar variation 2198171 (VCV002198171.2), dbSNP rs746369518, ClinGen allele CA7337361.